The following is an entry in ClinVar:

NM_004100.5(EYA4):c.1301T>C (p.Ile434Thr)

Genes: EYA4 (EYA transcriptional coactivator and phosphatase 4; plus strand), TARID (TCF21 antisense RNA inducing promoter demethylation; minus strand). Cytogenetic location: 6q23.2.
Variant type: single nucleotide variant.
Coding change: c.1301T>C on transcript NM_004100.5 (MANE Select); coding-DNA position 1301, T replaced by C.
Protein change: p.Ile434Thr; replaces isoleucine 434 with threonine.
Molecular consequence: missense variant.
Genome position (GRCh38, 1-based): chr6:133,512,740, T>C. VCF-style: chr6-133512740-T-C. GRCh37 (hg19) VCF-style: chr6-133833878-T-C.
Other names: c.1301T>C (NM_004100.4); c.1139T>C, p.Ile380Thr (NM_001301012.2); c.1319T>C, p.Ile440Thr (NM_001301013.2); c.1232T>C, p.Ile411Thr (NM_001370458.1, NM_172103.4); c.1157T>C, p.Ile386Thr (NM_001370459.1); c.1301T>C, p.Ile434Thr (NM_172105.4); short protein forms I380T, I411T, I386T, I434T, I440T.
Identifiers: ClinVar variation 1517519 (VCV001517519.9), dbSNP rs766340934, ClinGen allele CA4008328.

ClinVar aggregate classification (germline): Uncertain significance. Review status: criteria provided, multiple submitters, no conflicts (2 of 4 stars). 2 submissions from 2 submitters: Uncertain significance (2). Last evaluated 2026-01-18.

Conditions:
Cardiovascular phenotype. Identifiers: MedGen CN230736.
Dilated cardiomyopathy 1J (CMD1J). Also called: CARDIOMYOPATHY, DILATED, WITH SENSORINEURAL HEARING LOSS, AUTOSOMAL DOMINANT. Identifiers: Orphanet 217622, MedGen C1854368, MONDO:0011541, OMIM 605362.

Allele frequency attached by ClinVar (database versions not stated): gnomAD exomes below 0.00001 and 0.00001; ExAC 0.00001.
gnomAD v4.1: 8 of 1,612,774 alleles (0.0005%); highest among the groups gnomAD compares: Non-Finnish European, 0.00059%; no homozygotes.

Submissions (2):

Labcorp Genetics (formerly Invitae), Labcorp
Classification: Uncertain significance for Dilated cardiomyopathy 1J. Last evaluated: 2026-01-18. Review status: criteria provided, single submitter. Criteria: Invitae Variant Classification Sherloc (09022015). Collection method: clinical testing. Allele origin: germline.
Comment: This sequence change replaces isoleucine, which is neutral and non-polar, with threonine, which is neutral and polar, at codon 434 of the EYA4 protein (p.Ile434Thr). This variant is present in population databases (rs766340934, gnomAD 0.0009%). This variant has not been reported in the literature in individuals affected with EYA4-related conditions. ClinVar contains an entry for this variant (Variation ID: 1517519). Invitae Evidence Modeling of protein sequence and biophysical properties (such as structural, functional, and spatial information, amino acid conservation, physicochemical variation, residue mobility, and thermodynamic stability) indicates that this missense variant is expected to disrupt EYA4 protein function with a positive predictive value of 80%. This variant disrupts the p.Ile434 amino acid residue in EYA4. Other variant(s) that disrupt this residue have been determined to be pathogenic (PMID: 25242383). This suggests that this residue is clinically significant, and that variants that disrupt this residue are likely to be disease-causing. In summary, the available evidence is currently insufficient to determine the role of this variant in disease. Therefore, it has been classified as a Variant of Uncertain Significance.

Ambry Genetics
Classification: Uncertain significance for Cardiovascular phenotype. Last evaluated: 2023-07-11. Review status: criteria provided, single submitter. Criteria: Ambry Variant Classification Scheme 2023. Collection method: clinical testing. Allele origin: germline.
Comment: The p.I434T variant (also known as c.1301T>C), located in coding exon 14 of the EYA4 gene, results from a T to C substitution at nucleotide position 1301. The isoleucine at codon 434 is replaced by threonine, an amino acid with similar properties. This amino acid position is conserved. In addition, this alteration is predicted to be deleterious by in silico analysis. Since supporting evidence is limited at this time, the clinical significance of this alteration remains unclear.

Literature cited by the submitters: PubMed 25242383 (cited by Labcorp Genetics (formerly Invitae), Labcorp).